The following is an entry in ClinVar:

NM_001329943.3(KIAA0586):c.2731T>C (p.Phe911Leu)

Gene: KIAA0586 (KIAA0586; plus strand). Cytogenetic location: 14q23.1.
Variant type: single nucleotide variant.
Coding change: c.2731T>C on transcript NM_001329943.3 (MANE Select); coding-DNA position 2731, T replaced by C.
Protein change: p.Phe911Leu; replaces phenylalanine 911 with leucine.
Molecular consequence: missense variant.
Genome position (GRCh38, 1-based): chr14:58,474,703, T>C. VCF-style: chr14-58474703-T-C. GRCh37 (hg19) VCF-style: chr14-58941421-T-C.
Other names: c.2599T>C, p.Phe867Leu (NM_001244192.2); c.2311T>C, p.Phe771Leu (NM_001244193.2); c.2731T>C, p.Phe911Leu (NM_001329944.2, NM_001329946.2, NM_001329947.2); c.2476T>C, p.Phe826Leu (NM_001329945.2, NM_001364700.1, NM_001364701.2 and 1 more transcripts); c.2503T>C, p.Phe835Leu (NM_014749.5); c.2686T>C, p.Phe896Leu (NM_001244190.2); c.2890T>C, p.Phe964Leu (NM_001244189.2); short protein forms F771L, F826L, F835L, F867L, F896L, F911L, F964L.
Identifiers: ClinVar variation 3750389 (VCV003750389.2).

ClinVar aggregate classification (germline): Uncertain significance (1 of 4 stars; one submission).

Conditions:
Short-rib thoracic dysplasia 14 with polydactyly (SRTD14). Identifiers: Orphanet 397715, MedGen C4225286, MONDO:0014688, OMIM 616546.
Joubert syndrome 23 (JBTS23). Identifiers: Orphanet 475, MedGen C4084822, MONDO:0014664, OMIM 616490.

Submission:

Labcorp Genetics (formerly Invitae), Labcorp
Classification: Uncertain significance for Joubert syndrome 23; Short-rib thoracic dysplasia 14 with polydactyly. Last evaluated: 2024-11-13. Review status: criteria provided, single submitter. Criteria: Invitae Variant Classification Sherloc (09022015). Collection method: clinical testing. Allele origin: germline.
Comment: This sequence change replaces phenylalanine, which is neutral and non-polar, with leucine, which is neutral and non-polar, at codon 964 of the KIAA0586 protein (p.Phe964Leu). This variant is present in population databases (rs756145224, gnomAD 0.003%). This variant has not been reported in the literature in individuals affected with KIAA0586-related conditions. Invitae Evidence Modeling of protein sequence and biophysical properties (such as structural, functional, and spatial information, amino acid conservation, physicochemical variation, residue mobility, and thermodynamic stability) indicates that this missense variant is expected to disrupt KIAA0586 protein function with a positive predictive value of 80%. In summary, the available evidence is currently insufficient to determine the role of this variant in disease. Therefore, it has been classified as a Variant of Uncertain Significance.